The following is an entry in ClinVar:

ClinVar aggregate classification (germline): Uncertain significance (1 of 4 stars; one submission).

Allele frequency attached by ClinVar (database versions not stated): gnomAD exomes below 0.00001.
gnomAD v4.1: 1 of 1,605,006 alleles (0.000062%); highest among the groups gnomAD compares: Non-Finnish European, 0.000085%; no homozygotes.

Submission:

Ambry Genetics
Classification: Uncertain significance. Last evaluated: 2025-09-27. Review status: criteria provided, single submitter. Criteria: Ambry Variant Classification Scheme 2023. Collection method: clinical testing. Allele origin: germline.
Comment: The p.Y336C variant (also known as c.1007A>G), located in coding exon 8 of the RINT1 gene, results from an A to G substitution at nucleotide position 1007. The tyrosine at codon 336 is replaced by cysteine, an amino acid with highly dissimilar properties. This amino acid position is highly conserved in available vertebrate species. In addition, this alteration is predicted to be deleterious by in silico analysis. The evidence for this gene-disease relationship is limited; therefore, the clinical significance of this alteration is unclear.

NM_021930.6(RINT1):c.1007A>G (p.Tyr336Cys)

Gene: RINT1 (RAD50 interactor 1; plus strand). Cytogenetic location: 7q22.3.
Variant type: single nucleotide variant.
Coding change: c.1007A>G on transcript NM_021930.6 (MANE Select); coding-DNA position 1007, A replaced by G.
Protein change: p.Tyr336Cys; replaces tyrosine 336 with cysteine.
Molecular consequence: missense variant. On other transcripts: 5 prime UTR variant (2), non-coding transcript variant (1).
Genome position (GRCh38, 1-based): chr7:105,550,065, A>G. VCF-style: chr7-105550065-A-G. GRCh37 (hg19) VCF-style: chr7-105190512-A-G.
Other names: c.773A>G, p.Tyr258Cys (NM_001346599.2); c.-17A>G (NM_001346600.2, NM_001346603.2); c.83A>G, p.Tyr28Cys (NM_001346601.2); short protein forms Y258C, Y336C, Y28C.
Identifiers: ClinVar variation 2622877 (VCV002622877.3), dbSNP rs2485131802, ClinGen allele CA368808194.
Genomic context (GRCh38, chr7:105,550,065, plus strand): 5'-TTTCTAATTGGAATGACTTAAGAATTCAAACTATTTTCCTCCTTCCTTAGCCAGAATGGT[A>G]CTTGGCTCAAGTACTTATGTGGATTGGAAACCATACTGAATTTCTGGATGAGAAGATTCA-3'
Protein context (NP_068749.3, residues 326-346): QTNVLSKPEW[Tyr336Cys]LAQVLMWIGN